The following is an entry in ClinVar:

ClinVar aggregate classification (germline): Uncertain significance (1 of 4 stars; one submission).

Submission:

Labcorp Genetics (formerly Invitae), Labcorp
Classification: Uncertain significance. Last evaluated: 2025-07-14. Review status: criteria provided, single submitter. Criteria: Invitae Variant Classification Sherloc (09022015). Collection method: clinical testing. Allele origin: germline.
Comment: This sequence change replaces glutamic acid, which is acidic and polar, with lysine, which is basic and polar, at codon 213 of the ATP6AP1 protein (p.Glu213Lys). This variant is present in population databases (rs782436864, gnomAD 0.008%), including at least one homozygous and/or hemizygous individual. This variant has not been reported in the literature in individuals affected with ATP6AP1-related conditions. ClinVar contains an entry for this variant (Variation ID: 3621227). Invitae Evidence Modeling of protein sequence and biophysical properties (such as structural, functional, and spatial information, amino acid conservation, physicochemical variation, residue mobility, and thermodynamic stability) indicates that this missense variant is not expected to disrupt ATP6AP1 protein function with a negative predictive value of 80%. In summary, the available evidence is currently insufficient to determine the role of this variant in disease. Therefore, it has been classified as a Variant of Uncertain Significance.

NM_001183.6(ATP6AP1):c.637G>A (p.Glu213Lys)

Gene: ATP6AP1 (ATPase H+ transporting accessory protein 1; plus strand). Cytogenetic location: Xq28.
Variant type: single nucleotide variant.
Coding change: c.637G>A on transcript NM_001183.6 (MANE Select); coding-DNA position 637, G replaced by A.
Protein change: p.Glu213Lys; replaces glutamic acid 213 with lysine.
Molecular consequence: missense variant.
Genome position (GRCh38, 1-based): chrX:154,433,673, G>A. VCF-style: chrX-154433673-G-A. GRCh37 (hg19) VCF-style: chrX-153662019-G-A.
Other names: short protein forms E213K.
Identifiers: ClinVar variation 3621227 (VCV003621227.2).
Genomic context (GRCh38, chrX:154,433,673, plus strand): 5'-TGCTCTCCTTGTTGACCCTCAGATGAGGTCATCGGGCAGGTCCTGAGCACACTCAAGTCC[G>A]AAGATGTCCCATACACAGCGGCCCTCACAGCGGTCCGCCCTTCCAGGGTATGTGCCCTTC-3'
Protein context (NP_001174.2, residues 203-223): IGQVLSTLKS[Glu213Lys]DVPYTAALTA